The following is an entry in ClinVar:

NM_000059.4(BRCA2):c.3974C>G (p.Thr1325Ser)

Gene: BRCA2 (BRCA2 DNA repair associated; plus strand). Cytogenetic location: 13q13.1.
Variant type: single nucleotide variant.
Coding change: c.3974C>G on transcript NM_000059.4 (MANE Select); coding-DNA position 3974, C replaced by G.
Protein change: p.Thr1325Ser; replaces threonine 1325 with serine.
Molecular consequence: missense variant.
Genome position (GRCh38, 1-based): chr13:32,338,329, C>G. VCF-style: chr13-32338329-C-G. GRCh37 (hg19) VCF-style: chr13-32912466-C-G.
Other names: short protein forms T1325S.
Identifiers: ClinVar variation 1497380 (VCV001497380.7), dbSNP rs1593901084, ClinGen allele CA387778941.

ClinVar aggregate classification (germline): Conflicting classifications of pathogenicity. Review status: criteria provided, conflicting classifications (1 of 4 stars). 2 submissions from 2 submitters: Uncertain significance (1); Likely benign (1). Last evaluated 2024-05-14.

Conditions:
Hereditary cancer-predisposing syndrome. Also called: Tumor predisposition; Hereditary neoplastic syndrome; Neoplastic Syndromes, Hereditary; Hereditary Cancer Syndrome. Identifiers: Orphanet 140162, MedGen C0027672, MeSH D009386, MONDO:0015356.
Hereditary breast ovarian cancer syndrome. Also called: BRCA1- and BRCA2-Associated Hereditary Breast and Ovarian Cancer; Hereditary breast and ovarian cancer; Hereditary breast and/or ovarian cancer syndrome; Hereditary breast and ovarian cancer syndrome; Hereditary breast and ovarian cancer syndrome (HBOC); Breast and ovarian cancer. Identifiers: Orphanet 145, MedGen C0677776, MeSH D061325, MONDO:0003582. Disease mechanism: loss of function.

Submissions (2):

Labcorp Genetics (formerly Invitae), Labcorp
Classification: Uncertain significance for Hereditary breast ovarian cancer syndrome. Last evaluated: 2024-05-14. Review status: criteria provided, single submitter. Criteria: Invitae Variant Classification Sherloc (09022015). Collection method: clinical testing. Allele origin: germline.
Comment: This sequence change replaces threonine, which is neutral and polar, with serine, which is neutral and polar, at codon 1325 of the BRCA2 protein (p.Thr1325Ser). This variant is not present in population databases (gnomAD no frequency). This variant has not been reported in the literature in individuals affected with BRCA2-related conditions. ClinVar contains an entry for this variant (Variation ID: 1497380). Advanced modeling of protein sequence and biophysical properties (such as structural, functional, and spatial information, amino acid conservation, physicochemical variation, residue mobility, and thermodynamic stability) performed at Invitae indicates that this missense variant is not expected to disrupt BRCA2 protein function with a negative predictive value of 95%. In summary, the available evidence is currently insufficient to determine the role of this variant in disease. Therefore, it has been classified as a Variant of Uncertain Significance.

University of Washington Department of Laboratory Medicine, University of Washington
Classification: Likely benign for Hereditary cancer-predisposing syndrome. Last evaluated: 2023-03-23. Review status: criteria provided, single submitter. Criteria: Dines et al. (Genet Med. 2020). Collection method: curation. Allele origin: germline.
Comment: Missense variant in a coldspot region where missense variants are very unlikely to be pathogenic (PMID:31911673).

BRCA2 exon 11 coldspot. Reclassification based on statistical prior probability.